The following is an entry in ClinVar:

NM_000465.4(BARD1):c.1714_1715insATAA (p.Leu572fs)

Gene: BARD1 (BRCA1 associated RING domain 1; minus strand). Cytogenetic location: 2q35.
Variant type: Insertion.
Coding change: c.1714_1715insATAA on transcript NM_000465.4 (MANE Select); coding-DNA positions 1714 to 1715, ATAA inserted.
Protein change: p.Leu572fs; shifts the reading frame from leucine 572.
Molecular consequence: frameshift variant. On other transcripts: non-coding transcript variant (3), intron variant (1).
Genome position: GRCh38 VCF-style: chr2-214745817-A-ATTAT. GRCh37 (hg19) VCF-style: chr2-215610541-A-ATTAT.
Other names: c.1657_1658insATAA, p.Leu553fs (NM_001282543.2); c.361_362insATAA, p.Leu121fs (NM_001282545.2); c.304_305insATAA, p.Leu102fs (NM_001282548.2); c.365-15310_365-15309insATAA (NM_001282549.2); short protein forms L102fs, L121fs, L572fs, L553fs.
Identifiers: ClinVar variation 3260437 (VCV003260437.3).

ClinVar aggregate classification (germline): Pathogenic. Review status: criteria provided, multiple submitters, no conflicts (2 of 4 stars). 2 submissions from 2 submitters: Pathogenic (2). Last evaluated 2024-07-20.

Conditions:
Familial cancer of breast. Also called: BREAST CANCER, FAMILIAL; Hereditary breast cancer; hereditary breast carcinoma. Identifiers: Orphanet 227535, MedGen C0346153, MONDO:0016419, OMIM 114480. Disease mechanism: loss of function.
Hereditary cancer-predisposing syndrome. Also called: Hereditary Cancer Syndrome; Tumor predisposition; Hereditary neoplastic syndrome; Neoplastic Syndromes, Hereditary. Identifiers: Orphanet 140162, MedGen C0027672, MeSH D009386, MONDO:0015356.

Submissions (2):

Labcorp Genetics (formerly Invitae), Labcorp
Classification: Pathogenic for Familial cancer of breast. Last evaluated: 2024-07-20. Review status: criteria provided, single submitter. Criteria: Invitae Variant Classification Sherloc (09022015). Collection method: clinical testing. Allele origin: germline.
Comment: This sequence change creates a premature translational stop signal (p.Leu572Hisfs*17) in the BARD1 gene. It is expected to result in an absent or disrupted protein product. Loss-of-function variants in BARD1 are known to be pathogenic (PMID: 20077502, 21344236). This variant is not present in population databases (gnomAD no frequency). This variant has not been reported in the literature in individuals affected with BARD1-related conditions. For these reasons, this variant has been classified as Pathogenic.

Ambry Genetics
Classification: Pathogenic for Hereditary cancer-predisposing syndrome. Last evaluated: 2024-05-02. Review status: criteria provided, single submitter. Criteria: Ambry Variant Classification Scheme 2023. Collection method: clinical testing. Allele origin: germline.
Comment: The c.1714_1715insATAA pathogenic mutation, located in coding exon 8 of the BARD1 gene, results from an insertion of 4 nucleotides at position 1714, causing a translational frameshift with a predicted alternate stop codon (p.L572Hfs*17). This variant is considered to be rare based on population cohorts in the Genome Aggregation Database (gnomAD). This alteration is expected to result in loss of function by premature protein truncation or nonsense-mediated mRNA decay. As such, this alteration is interpreted as a disease-causing mutation.

Literature cited by the submitters: PubMed 20077502 (cited by Labcorp Genetics (formerly Invitae), Labcorp); PubMed 21344236 (cited by Labcorp Genetics (formerly Invitae), Labcorp).